The following is an entry in ClinVar:

ClinVar aggregate classification (germline): Conflicting classifications of pathogenicity. Review status: criteria provided, conflicting classifications (1 of 4 stars). 5 submissions from 3 submitters: Uncertain significance (4); Benign (1). Last evaluated 2025-11-08.

Conditions:
Atypical hemolytic-uremic syndrome with C3 anomaly. Also called: AHUS, SUSCEPTIBILITY TO, 5. Identifiers: Orphanet 2134, MedGen C2752037, MONDO:0013043, OMIM 612925.
Complement component 3 deficiency. Identifiers: Orphanet 280133, MedGen C3151071, MONDO:0013417, OMIM 613779.
C3 glomerulonephritis. Also called: C3 GLOMERULOPATHY 3; Nephropathy due to CFHR5 Deficiency. Identifiers: Orphanet 329931, MedGen C4055342, MONDO:0013892, OMIM 614809.
Atypical hemolytic-uremic syndrome. Identifiers: Orphanet 2134, MedGen C2931788, MONDO:0016244.
Age related macular degeneration 9. Identifiers: MedGen C1969651, MONDO:0012659, OMIM 611378.

Allele frequency attached by ClinVar (database versions not stated): ExAC 0.00004; gnomAD exomes 0.00006 and 0.00010; ESP Exome Variant Server 0.00008; TOPMed 0.00008; gnomAD 0.00009.
gnomAD v4.1: 160 of 1,613,806 alleles (0.0099%); highest among the groups gnomAD compares: Non-Finnish European, 0.013%; no homozygotes.

Submissions (5):

Labcorp Genetics (formerly Invitae), Labcorp
Classification: Uncertain significance. Last evaluated: 2025-11-08. Review status: criteria provided, single submitter. Criteria: Invitae Variant Classification Sherloc (09022015). Collection method: clinical testing. Allele origin: germline.
Comment: This sequence change replaces glutamic acid, which is acidic and polar, with lysine, which is basic and polar, at codon 279 of the C3 protein (p.Glu279Lys). This variant is present in population databases (rs146167974, gnomAD 0.01%). This variant has not been reported in the literature in individuals affected with C3-related conditions. ClinVar contains an entry for this variant (Variation ID: 892936). Invitae Evidence Modeling of protein sequence and biophysical properties (such as structural, functional, and spatial information, amino acid conservation, physicochemical variation, residue mobility, and thermodynamic stability) indicates that this missense variant is not expected to disrupt C3 protein function with a negative predictive value of 80%. In summary, the available evidence is currently insufficient to determine the role of this variant in disease. Therefore, it has been classified as a Variant of Uncertain Significance.

Genomenon, Inc
Classification: Uncertain significance for Complement component 3 deficiency; C3 glomerulonephritis; Atypical hemolytic-uremic syndrome. Last evaluated: 2025-09-30. Review status: criteria provided, single submitter. Criteria: Genomenon Sequence Variant Interpretation Standards. Collection method: curation. Allele origin: germline. Affected: no.
Comment: C3 p.Glu279Lys (c.835G>A) is a missense variant that changes the amino acid at residue 279 from Glutamic acid to Lysine. This variant has been reported in the published literature (PMID:26613027). It is absent or not present at a significant frequency in gnomAD. In silico models agree that this variant is not damaging. In conclusion, we classify C3 p.Glu279Lys (c.835G>A) as a variant of unknown significance.

Illumina Laboratory Services, Illumina
Classification: Uncertain significance for Age related macular degeneration 9. Last evaluated: 2017-04-27. Review status: criteria provided, single submitter. Criteria: ICSL Variant Classification Criteria 13 December 2019. Collection method: clinical testing. Allele origin: germline.

Illumina Laboratory Services, Illumina
Classification: Uncertain significance for Complement component 3 deficiency. Last evaluated: 2017-04-27. Review status: criteria provided, single submitter. Criteria: ICSL Variant Classification Criteria 13 December 2019. Collection method: clinical testing. Allele origin: germline.

Illumina Laboratory Services, Illumina
Classification: Benign for Atypical hemolytic-uremic syndrome with C3 anomaly. Last evaluated: 2017-04-27. Review status: criteria provided, single submitter. Criteria: ICSL Variant Classification Criteria 13 December 2019. Collection method: clinical testing. Allele origin: germline.
Comment: This variant was observed as part of a predisposition screen in an ostensibly healthy population. A literature search was performed for the gene, cDNA change, and amino acid change (where applicable). Publications were found based on this search. The evidence from the literature, in combination with allele frequency data from public databases where available, was sufficient to rule this variant out of causing disease. Therefore, this variant is classified as benign.

Literature cited by the submitters: PubMed 26613027 (cited by Genomenon, Inc and Illumina Laboratory Services, Illumina).

NM_000064.4(C3):c.835G>A (p.Glu279Lys)

Gene: C3 (complement C3; minus strand). Cytogenetic location: 19p13.3.
Variant type: single nucleotide variant.
Coding change: c.835G>A on transcript NM_000064.4 (MANE Select); coding-DNA position 835, G replaced by A.
Protein change: p.Glu279Lys; replaces glutamic acid 279 with lysine.
Molecular consequence: missense variant.
Genome position (GRCh38, 1-based): chr19:6,713,448, C>T on the plus strand (G>A on the coding strand, the complement: C3 is on the minus strand). VCF-style: chr19-6713448-C-T. GRCh37 (hg19) VCF-style: chr19-6713459-C-T.
Other names: short protein forms E279K.
Identifiers: ClinVar variation 892936 (VCV000892936.12), dbSNP rs146167974, ClinGen allele CA9129654.